The following is an entry in ClinVar:

ClinVar aggregate classification (germline): Uncertain significance (1 of 4 stars; one submission).

Conditions:
Rhabdoid tumor predisposition syndrome 2 (RTPS2). Identifiers: Orphanet 231108, Orphanet 69077, MedGen C2750074, MONDO:0013224, OMIM 613325.

Submission:

Labcorp Genetics (formerly Invitae), Labcorp
Classification: Uncertain significance for Rhabdoid tumor predisposition syndrome 2. Last evaluated: 2026-01-19. Review status: criteria provided, single submitter. Criteria: Invitae Variant Classification Sherloc (09022015). Collection method: clinical testing. Allele origin: germline.
Comment: This sequence change replaces glutamine, which is neutral and polar, with leucine, which is neutral and non-polar, at codon 498 of the SMARCA4 protein (p.Gln498Leu). This variant is not present in population databases (gnomAD no frequency). This variant has not been reported in the literature in individuals affected with SMARCA4-related conditions. Invitae Evidence Modeling of protein sequence and biophysical properties (such as structural, functional, and spatial information, amino acid conservation, physicochemical variation, residue mobility, and thermodynamic stability) indicates that this missense variant is not expected to disrupt SMARCA4 protein function with a negative predictive value of 95%. In summary, the available evidence is currently insufficient to determine the role of this variant in disease. Therefore, it has been classified as a Variant of Uncertain Significance.

NM_003072.5(SMARCA4):c.1493A>T (p.Gln498Leu)

Gene: SMARCA4 (SWI/SNF related BAF chromatin remodeling complex subunit ATPase 4; plus strand). Cytogenetic location: 19p13.2.
Variant type: single nucleotide variant.
Coding change: c.1493A>T on transcript NM_003072.5 (MANE Select); coding-DNA position 1493, A replaced by T.
Protein change: p.Gln498Leu; replaces glutamine 498 with leucine.
Molecular consequence: missense variant. On other transcripts: non-coding transcript variant (1).
Genome position (GRCh38, 1-based): chr19:10,994,901, A>T. VCF-style: chr19-10994901-A-T. GRCh37 (hg19) VCF-style: chr19-11105577-A-T.
Other names: c.1493A>T, p.Gln498Leu (NM_001128844.3, NM_001128845.2, NM_001128846.2 and 6 more transcripts); short protein forms Q498L.
Identifiers: ClinVar variation 4774227 (VCV004774227.1).